The following is an entry in ClinVar:

NM_002474.3(MYH11):c.3441G>C (p.Glu1147Asp)

Gene: MYH11 (myosin heavy chain 11; minus strand). Cytogenetic location: 16p13.11.
Variant type: single nucleotide variant.
Coding change: c.3441G>C on transcript NM_002474.3 (MANE Select); coding-DNA position 3441, G replaced by C.
Protein change: p.Glu1147Asp; replaces glutamic acid 1147 with aspartic acid.
Molecular consequence: missense variant.
Genome position (GRCh38, 1-based): chr16:15,735,431, C>G on the plus strand (G>C on the coding strand, the complement: MYH11 is on the minus strand). VCF-style: chr16-15735431-C-G. GRCh37 (hg19) VCF-style: chr16-15829288-C-G.
Other names: c.3462G>C, p.Glu1154Asp (NM_001040113.2, NM_001040114.2); c.3441G>C, p.Glu1147Asp (NM_022844.3); short protein forms E1147D, E1154D.
Identifiers: ClinVar variation 629172 (VCV000629172.4), dbSNP rs1567712736, ClinGen allele CA394861864.
Genomic context (GRCh38, chr16:15,735,431, plus strand): 5'-CTCCTGCTGAGTGGCTGTGCTGTCCAGTGTGTCTTCCAGCTCTGTCTTTAGGGCCTCCAG[C>G]TCCTCGCCGAGGTCTCGCTTCTGCTTTTCAGCCTTGTTCCTGGCGGCCCGCTCTGAGTCC-3'
Protein context (NP_002465.1, residues 1137-1157): AEKQKRDLGE[Glu1147Asp]LEALKTELED

ClinVar aggregate classification (germline): Uncertain significance (1 of 4 stars; one submission).

Conditions:
Familial thoracic aortic aneurysm and aortic dissection (TAAD). Also called: Thoracic aortic aneurysms and dissections. Identifiers: Orphanet 91387, MedGen C4707243, MONDO:0019625.

Submission:

Color Diagnostics, LLC DBA Color Health
Classification: Uncertain significance for Familial thoracic aortic aneurysm and aortic dissection. Last evaluated: 2023-12-04. Review status: criteria provided, single submitter. Criteria: ACMG Guidelines, 2015. Collection method: clinical testing. Allele origin: germline.
Comment: Variant of Uncertain Significance due to insufficient evidence: This missense variant is located in the coiled coil myosin tail domain of the MYH11 protein. Computational prediction tools and conservation analyses are inconclusive regarding the impact of this variant on the protein function. Computational splicing tools suggest that this variant may not impact the RNA splicing. To our knowledge, functional assays have not been performed for this variant nor has this variant been reported in individuals affected with cardiovascular disorders in the literature. This variant is rare in the general population and has been identified in 0/277264 chromosomes by the Genome Aggregation Database (gnomAD). Available evidence is insufficient to determine the pathogenicity of this variant conclusively.